The following is an entry in ClinVar:

NM_002857.4(PEX19):c.40G>C (p.Ala14Pro)

Gene: PEX19 (peroxisomal biogenesis factor 19; minus strand). Cytogenetic location: 1q23.2.
Variant type: single nucleotide variant.
Coding change: c.40G>C on transcript NM_002857.4 (MANE Select); coding-DNA position 40, G replaced by C.
Protein change: p.Ala14Pro; replaces alanine 14 with proline.
Molecular consequence: missense variant. On other transcripts: non-coding transcript variant (2).
Genome position (GRCh38, 1-based): chr1:160,285,085, C>G on the plus strand (G>C on the coding strand, the complement: PEX19 is on the minus strand). VCF-style: chr1-160285085-C-G. GRCh37 (hg19) VCF-style: chr1-160254875-C-G.
Other names: c.40G>C, p.Ala14Pro (NM_001193644.1); short protein forms A14P.
Identifiers: ClinVar variation 859368 (VCV000859368.7), dbSNP rs747627762, ClinGen allele CA1197509.

ClinVar aggregate classification (germline): Uncertain significance. Review status: criteria provided, multiple submitters, no conflicts (2 of 4 stars). 4 submissions from 4 submitters: Uncertain significance (3). 1 of the submissions does not count toward it. Last evaluated 2022-11-18.

Conditions:
Inborn genetic diseases. Identifiers: MedGen C0950123, MeSH D030342.
Peroxisome biogenesis disorder 12A (Zellweger). Also called: Peroxisome biogenesis disorder 12A. Identifiers: Orphanet 912, MedGen C3554002, MONDO:0013951, OMIM 614886.
PEX19-related disorder. Also called: PEX19-related condition.

Allele frequency attached by ClinVar (database versions not stated): ExAC 0.00004; gnomAD exomes 0.00004; gnomAD 0.00005 and 0.00010; TOPMed 0.00007.
gnomAD v4.1: 76 of 1,614,104 alleles (0.0047%); highest among the groups gnomAD compares: East Asian, 0.02%; no homozygotes.

Submissions (4):

Ambry Genetics
Classification: Uncertain significance for Inborn genetic diseases. Last evaluated: 2022-11-18. Review status: criteria provided, single submitter. Criteria: Ambry Variant Classification Scheme 2023. Collection method: clinical testing. Allele origin: germline.

Labcorp Genetics (formerly Invitae), Labcorp
Classification: Uncertain significance for Peroxisome biogenesis disorder 12A (Zellweger). Last evaluated: 2022-10-04. Review status: criteria provided, single submitter. Criteria: Invitae Variant Classification Sherloc (09022015). Collection method: clinical testing. Allele origin: germline.
Comment: This sequence change replaces alanine, which is neutral and non-polar, with proline, which is neutral and non-polar, at codon 14 of the PEX19 protein (p.Ala14Pro). This variant is present in population databases (rs747627762, gnomAD 0.09%). This variant has not been reported in the literature in individuals affected with PEX19-related conditions. ClinVar contains an entry for this variant (Variation ID: 859368). Advanced modeling of protein sequence and biophysical properties (such as structural, functional, and spatial information, amino acid conservation, physicochemical variation, residue mobility, and thermodynamic stability) performed at Invitae indicates that this missense variant is not expected to disrupt PEX19 protein function. In summary, the available evidence is currently insufficient to determine the role of this variant in disease. Therefore, it has been classified as a Variant of Uncertain Significance.

Fulgent Genetics
Classification: Uncertain significance for Peroxisome biogenesis disorder 12A (Zellweger). Last evaluated: 2021-10-11. Review status: criteria provided, single submitter. Criteria: ACMG Guidelines, 2015. Collection method: clinical testing. Allele origin: unknown.

PreventionGenetics, part of Exact Sciences
Classification: Uncertain significance for PEX19-related condition. Last evaluated: 2024-06-26. Review status: no assertion criteria provided. Collection method: clinical testing. Allele origin: germline. Not counted in ClinVar's aggregate classification.
Comment: The PEX19 c.40G>C variant is predicted to result in the amino acid substitution p.Ala14Pro. To our knowledge, this variant has not been reported in the literature. This variant is reported in 0.096% of alleles in individuals of Ashkenazi Jewish descent in gnomAD. Although we suspect that this variant may be benign, at this time, the clinical significance of this variant is uncertain due to the absence of conclusive functional and genetic evidence.